The following continues an entry in ClinVar:

NM_007194.4(CHEK2):c.593-11_593-7del

Gene: CHEK2. ClinVar aggregate classification (germline): Conflicting classifications of pathogenicity. Likely pathogenic (3); Uncertain significance (9); Likely benign (3).

Submissions 11 to 16 of 16:

Quest Diagnostics Nichols Institute San Juan Capistrano
Classification: Uncertain significance. Last evaluated: 2024-01-25. Review status: criteria provided, single submitter. Criteria: Quest Diagnostics criteria. Collection method: clinical testing. Allele origin: unknown.
Comment: The CHEK2 c.593-11_593-7del variant has been reported in the published literature in an individual affected with colorectal cancer who also carried a deleterious variant in the MSH6 gene (PMID: 37088804 (2023)). An experimental study observed that this variant mostly (62%) produced transcripts that lacked exon 5, albeit exon 5 skipping was observed to occur less in the wild-type (4%) (PMID: 37725924 (2024)). Another study also observed exon 5 skipping in varying proportions in reportedly healthy individuals (PMID: 32133419 (2020)). The frequency of this variant in the general population, 0.000035 (3/86422 chromosomes (Genome Aggregation Database)), is uninformative in the assessment of its pathogenicity. Based on the available information, we are unable to determine the clinical significance of this variant.

Department of Pathology and Laboratory Medicine, Sinai Health System
Classification: Uncertain significance for hereditary nonpolyposis colon cancer. Last evaluated: 2023-03-08. Review status: criteria provided, single submitter. Criteria: ACMG Guidelines, 2015. Collection method: clinical testing. Allele origin: germline. Affected: no.

Sema4
Classification: Uncertain significance for Hereditary cancer-predisposing syndrome. Last evaluated: 2021-10-07. Review status: criteria provided, single submitter. Criteria: Sema4 Curation Guidelines. Collection method: curation. Allele origin: germline.
Comment: The CHEK2 c.593-11_593-7delTTCTT variant has not been reported in the literature to our knowledge. It was observed in 3/86422 chromosomes of the Non-Finnish European subpopulation in the large and broad cohorts of the Genome Aggregation Database (PMID: 32461654). The variant has been reported in ClinVar (Variation ID: 215865). The evidence is insufficient to meet ACMG/AMP criteria for classifying the variant as benign or pathogenic. Thus, the clinical significance of this variant is currently uncertain.

GeneDx
Classification: Likely benign. Last evaluated: 2020-01-23. Review status: criteria provided, single submitter. Criteria: GeneDx Variant Classification Process June 2021. Collection method: clinical testing. Allele origin: germline. Affected: yes.

CeGaT Center for Human Genetics Tuebingen
Classification: Likely benign. Last evaluated: 2017-08-01. Review status: criteria provided, single submitter. Criteria: CeGaT Center For Human Genetics Tuebingen Variant Classification Criteria Version 2. Collection method: clinical testing. Allele origin: germline. Affected: yes. Observed: 1 variant allele.

Counsyl
Classification: Likely benign for Familial cancer of breast. Last evaluated: 2016-10-31. Review status: no assertion criteria provided. Collection method: clinical testing. Allele origin: unknown. Not counted in ClinVar's aggregate classification.

Literature cited by the submitters: PubMed 32133419 (cited by 3 submitters); PubMed 37725924 (cited by 7 submitters); PubMed 37088804 (cited by 3 submitters); PubMed 25085752 (cited by Myriad Genetics, Inc.); PubMed 31218271 (cited by Quest Diagnostics Nichols Institute San Juan Capistrano).